The following is an entry in ClinVar:

NM_003611.3(OFD1):c.1918C>G (p.Gln640Glu)

Gene: OFD1 (OFD1 centriole and centriolar satellite protein; plus strand). Cytogenetic location: Xp22.2.
Variant type: single nucleotide variant.
Coding change: c.1918C>G on transcript NM_003611.3 (MANE Select); coding-DNA position 1918, C replaced by G.
Protein change: p.Gln640Glu; replaces glutamine 640 with glutamic acid.
Molecular consequence: missense variant.
Genome position (GRCh38, 1-based): chrX:13,760,378, C>G. VCF-style: chrX-13760378-C-G. GRCh37 (hg19) VCF-style: chrX-13778497-C-G.
Other names: c.1798C>G, p.Gln600Glu (NM_001330209.2); c.1498C>G, p.Gln500Glu (NM_001330210.2); short protein forms Q640E, Q500E, Q600E.
Identifiers: ClinVar variation 426344 (VCV000426344.3), dbSNP rs1085307577, ClinGen allele CA412344113.

ClinVar aggregate classification (germline): Uncertain significance (1 of 4 stars; one submission).

Submission:

GeneDx
Classification: Uncertain significance. Last evaluated: 2021-04-30. Review status: criteria provided, single submitter. Criteria: GeneDx Variant Classification Process June 2021. Collection method: clinical testing. Allele origin: germline. Affected: yes.
Comment: Not observed in large population cohorts (Lek et al., 2016); In silico analysis supports that this missense variant does not alter protein structure/function; Has not been previously published as pathogenic or benign to our knowledge